The following is an entry in ClinVar:

NM_001039348.3(EFEMP1):c.1153A>T (p.Met385Leu)

Gene: EFEMP1 (EGF-like fibulin extracellular matrix protein 1; minus strand). Cytogenetic location: 2p16.1.
Variant type: single nucleotide variant.
Coding change: c.1153A>T on transcript NM_001039348.3 (MANE Select); coding-DNA position 1153, A replaced by T.
Protein change: p.Met385Leu; replaces methionine 385 with leucine.
Molecular consequence: missense variant.
Genome position (GRCh38, 1-based): chr2:55,870,887, T>A on the plus strand (A>T on the coding strand, the complement: EFEMP1 is on the minus strand). VCF-style: chr2-55870887-T-A. GRCh37 (hg19) VCF-style: chr2-56098022-T-A.
Other names: c.1153A>T, p.Met385Leu (NM_001039349.3); short protein forms M385L.
Identifiers: ClinVar variation 837756 (VCV000837756.9), dbSNP rs1178619006, ClinGen allele CA347028174.

ClinVar aggregate classification (germline): Uncertain significance (1 of 4 stars; one submission).

Allele frequency attached by ClinVar (database versions not stated): gnomAD 0.00001; gnomAD exomes below 0.00001.
gnomAD v4.1: 3 of 1,613,652 alleles (0.00019%); highest among the groups gnomAD compares: African/African-American, 0.004%; no homozygotes.

Submission:

Labcorp Genetics (formerly Invitae), Labcorp
Classification: Uncertain significance. Last evaluated: 2022-01-15. Review status: criteria provided, single submitter. Criteria: Invitae Variant Classification Sherloc (09022015). Collection method: clinical testing. Allele origin: germline.
Comment: This sequence change replaces methionine, which is neutral and non-polar, with leucine, which is neutral and non-polar, at codon 385 of the EFEMP1 protein (p.Met385Leu). This variant is present in population databases (no rsID available, gnomAD 0.008%). This variant has not been reported in the literature in individuals affected with EFEMP1-related conditions. ClinVar contains an entry for this variant (Variation ID: 837756). Algorithms developed to predict the effect of missense changes on protein structure and function output the following: SIFT: "Tolerated"; PolyPhen-2: "Benign"; Align-GVGD: "Class C0". The leucine amino acid residue is found in multiple mammalian species, which suggests that this missense change does not adversely affect protein function. In summary, the available evidence is currently insufficient to determine the role of this variant in disease. Therefore, it has been classified as a Variant of Uncertain Significance.